The following is an entry in ClinVar:

ClinVar aggregate classification (germline): Likely pathogenic (1 of 4 stars; one submission).

Conditions:
Hereditary cancer-predisposing syndrome. Also called: Hereditary Cancer Syndrome; Neoplastic Syndromes, Hereditary; Hereditary neoplastic syndrome; Tumor predisposition. Identifiers: Orphanet 140162, MedGen C0027672, MeSH D009386, MONDO:0015356.

Submission:

Ambry Genetics
Classification: Likely pathogenic for Hereditary cancer-predisposing syndrome. Last evaluated: 2023-07-27. Review status: criteria provided, single submitter. Criteria: Ambry Variant Classification Scheme 2023. Collection method: clinical testing. Allele origin: germline.
Comment: The c.824+1G>C intronic variant results from a G to C substitution one nucleotide after coding exon 4 of the MEN1 gene. This alteration has been observed in at least one individual with a personal and/or family history that is consistent with MEN1-related disease (Ambry internal data). This variant is considered to be rare based on population cohorts in the Genome Aggregation Database (gnomAD). This nucleotide position is highly conserved in available vertebrate species. In silico splice site analysis predicts that this alteration will weaken the native splice donor site. Alterations that disrupt the canonical splice site are expected to cause aberrant splicing, resulting in an abnormal protein or a transcript that is subject to nonsense-mediated mRNA decay. As such, this alteration is classified as likely pathogenic.

NM_001370259.2(MEN1):c.824+1G>C

Gene: MEN1 (menin 1; minus strand). Cytogenetic location: 11q13.1.
Variant type: single nucleotide variant.
Coding change: c.824+1G>C on transcript NM_001370259.2 (MANE Select); the canonical splice donor site of the intron after coding-DNA position 824, G replaced by C.
Molecular consequence: splice donor variant.
Genome position (GRCh38, 1-based): chr11:64,807,178, C>G on the plus strand (G>C on the coding strand, the complement: MEN1 is on the minus strand). VCF-style: chr11-64807178-C-G. GRCh37 (hg19) VCF-style: chr11-64574650-C-G.
Other names: c.839+1G>C (NM_130804.3, NM_130803.3, NM_000244.4 and 5 more transcripts); c.719+1G>C (NM_001407148.1, NM_001407149.1, NM_001407151.1 and 2 more transcripts); c.824+1G>C (NM_130799.3, NM_001407144.1, NM_001370260.2 and 7 more transcripts).
Identifiers: ClinVar variation 428057 (VCV000428057.7), dbSNP rs1060499976, ClinGen allele CA381183851.